The following is an entry in ClinVar:

NM_003070.5(SMARCA2):c.4209G>A (p.Val1403=)

Gene: SMARCA2 (SWI/SNF related BAF chromatin remodeling complex subunit ATPase 2; plus strand). Cytogenetic location: 9p24.3.
Variant type: single nucleotide variant.
Coding change: c.4209G>A on transcript NM_003070.5 (MANE Select); coding-DNA position 4209, G replaced by A.
Protein change: p.Val1403=; no amino-acid change (valine 1403 retained).
Molecular consequence: synonymous variant. On other transcripts: intron variant (5).
Genome position (GRCh38, 1-based): chr9:2,170,428, G>A. VCF-style: chr9-2170428-G-A. GRCh37 (hg19) VCF-style: chr9-2170428-G-A.
Other names: c.4209G>A, p.Val1403= (NM_001289396.2); c.4199+8525G>A (NM_139045.4); c.4025+8525G>A (NM_001289397.2); c.227+8525G>A (NM_001289398.2); c.317+8525G>A (NM_001289400.2); c.311+8525G>A (NM_001289399.2).
Identifiers: ClinVar variation 3700560 (VCV003700560.2).

ClinVar aggregate classification (germline): Uncertain significance (1 of 4 stars; one submission).

gnomAD v4.1: 1 of 1,614,100 alleles (0.000062%); highest among the groups gnomAD compares: Non-Finnish European, 0.000085%; no homozygotes.

Submission:

Labcorp Genetics (formerly Invitae), Labcorp
Classification: Uncertain significance. Last evaluated: 2024-06-04. Review status: criteria provided, single submitter. Criteria: Invitae Variant Classification Sherloc (09022015). Collection method: clinical testing. Allele origin: germline.
Comment: This sequence change affects codon 1403 of the SMARCA2 mRNA. It is a 'silent' change, meaning that it does not change the encoded amino acid sequence of the SMARCA2 protein. This variant is not present in population databases (gnomAD no frequency). This variant has not been reported in the literature in individuals affected with SMARCA2-related conditions. Algorithms developed to predict the effect of sequence changes on RNA splicing suggest that this variant may disrupt the consensus splice site. In summary, the available evidence is currently insufficient to determine the role of this variant in disease. Therefore, it has been classified as a Variant of Uncertain Significance.